The following is an entry in ClinVar:

NM_024876.4(COQ8B):c.374G>A (p.Gly125Asp)

Gene: COQ8B (coenzyme Q8B; minus strand). Cytogenetic location: 19q13.2.
Variant type: single nucleotide variant.
Coding change: c.374G>A on transcript NM_024876.4 (MANE Select); coding-DNA position 374, G replaced by A.
Protein change: p.Gly125Asp; replaces glycine 125 with aspartic acid.
Molecular consequence: missense variant. On other transcripts: intron variant (1).
Genome position (GRCh38, 1-based): chr19:40,705,441, C>T on the plus strand (G>A on the coding strand, the complement: COQ8B is on the minus strand). VCF-style: chr19-40705441-C-T. GRCh37 (hg19) VCF-style: chr19-41211346-C-T.
Other names: c.368-260G>A (NM_001142555.3); short protein forms G125D.
Identifiers: ClinVar variation 3903332 (VCV003903332.1).

ClinVar aggregate classification (germline): Uncertain significance (1 of 4 stars; one submission).

Submission:

GeneDx
Classification: Uncertain significance. Last evaluated: 2024-12-08. Review status: criteria provided, single submitter. Criteria: GeneDx Variant Classification Process June 2021. Collection method: clinical testing. Allele origin: germline. Affected: yes.
Comment: Not observed at significant frequency in large population cohorts (gnomAD); In silico analysis indicates that this missense variant does not alter protein structure/function; Has not been previously published as pathogenic or benign to our knowledge